The following is an entry in ClinVar:

NM_020774.4(MIB1):c.2443A>G (p.Thr815Ala)

Gene: MIB1 (MIB E3 ubiquitin protein ligase 1; plus strand). Cytogenetic location: 18q11.2.
Variant type: single nucleotide variant.
Coding change: c.2443A>G on transcript NM_020774.4 (MANE Select); coding-DNA position 2443, A replaced by G.
Protein change: p.Thr815Ala; replaces threonine 815 with alanine.
Molecular consequence: missense variant.
Genome position (GRCh38, 1-based): chr18:21,849,245, A>G. VCF-style: chr18-21849245-A-G. GRCh37 (hg19) VCF-style: chr18-19429206-A-G.
Other names: short protein forms T815A.
Identifiers: ClinVar variation 3395800 (VCV003395800.1).

ClinVar aggregate classification (germline): Uncertain significance (1 of 4 stars; one submission).

Conditions:
Inborn genetic diseases. Identifiers: MedGen C0950123, MeSH D030342.

Submission:

Ambry Genetics
Classification: Uncertain significance for Inborn genetic diseases. Last evaluated: 2024-12-05. Review status: criteria provided, single submitter. Criteria: Ambry Variant Classification Scheme 2023. Collection method: clinical testing. Allele origin: germline.
Comment: The p.T815A variant (also known as c.2443A>G), located in coding exon 17 of the MIB1 gene, results from an A to G substitution at nucleotide position 2443. The threonine at codon 815 is replaced by alanine, an amino acid with similar properties. This amino acid position is conserved. In addition, this alteration is predicted to be tolerated by in silico analysis. Based on the available evidence, the clinical significance of this variant remains unclear.